The following is an entry in ClinVar:

NM_000093.5(COL5A1):c.3514G>C (p.Asp1172His)

Gene: COL5A1 (collagen type V alpha 1 chain; plus strand). Cytogenetic location: 9q34.3.
Variant type: single nucleotide variant.
Coding change: c.3514G>C on transcript NM_000093.5 (MANE Select); coding-DNA position 3514, G replaced by C.
Protein change: p.Asp1172His; replaces aspartic acid 1172 with histidine.
Molecular consequence: missense variant.
Genome position (GRCh38, 1-based): chr9:134,810,294, G>C. VCF-style: chr9-134810294-G-C. GRCh37 (hg19) VCF-style: chr9-137702140-G-C.
Other names: c.3514G>C, p.Asp1172His (NM_001278074.1); short protein forms D1172H.
Identifiers: ClinVar variation 3268755 (VCV003268755.1).
Genomic context (GRCh38, chr9:134,810,294, plus strand): 5'-ATCCCCCACACCTTCCCCTAGGGAGAGATCGGGGAGCCGGGGCAGAAAGGAAGCAAGGGG[G>C]ACAAAGGAGAACAGGTAAGTATTGGCACGGGGGCGCGCGGCAGCCCCCAGGTCCCGGGGG-3'
Protein context (NP_000084.3, residues 1162-1182): GEPGQKGSKG[Asp1172His]KGEQGPPGPT

ClinVar aggregate classification (germline): Uncertain significance (1 of 4 stars; one submission).

Conditions:
Familial thoracic aortic aneurysm and aortic dissection (TAAD). Also called: Thoracic aortic aneurysms and dissections. Identifiers: Orphanet 91387, MedGen C4707243, MONDO:0019625.

Submission:

Ambry Genetics
Classification: Uncertain significance for Familial thoracic aortic aneurysm and aortic dissection. Last evaluated: 2024-06-06. Review status: criteria provided, single submitter. Criteria: Ambry Variant Classification Scheme 2023. Collection method: clinical testing. Allele origin: germline.
Comment: The p.D1172H variant (also known as c.3514G>C), located in coding exon 44 of the COL5A1 gene, results from a G to C substitution at nucleotide position 3514. The aspartic acid at codon 1172 is replaced by histidine, an amino acid with similar properties. This amino acid position is highly conserved in available vertebrate species. In addition, the in silico prediction for this alteration is inconclusive. Based on the available evidence, the clinical significance of this variant remains unclear.